The following is an entry in ClinVar:

ClinVar aggregate classification (germline): Likely pathogenic (1 of 4 stars; one submission).

Conditions:
Very long chain acyl-CoA dehydrogenase deficiency (ACADVLD). Also called: Very Long-Chain Acyl-Coenzyme A Dehydrogenase Deficiency; VLCAD Deficiency. Identifiers: Orphanet 26793, MedGen C3887523, MONDO:0008723, OMIM 201475.

Submission:

Labcorp Genetics (formerly Invitae), Labcorp
Classification: Likely pathogenic for Very long chain acyl-CoA dehydrogenase deficiency. Last evaluated: 2025-12-17. Review status: criteria provided, single submitter. Criteria: Invitae Variant Classification Sherloc (09022015). Collection method: clinical testing. Allele origin: germline.
Comment: This sequence change affects an acceptor splice site in intron 14 of the ACADVL gene. It is expected to disrupt RNA splicing. Variants that disrupt the donor or acceptor splice site typically lead to a loss of protein function (PMID: 16199547), and loss-of-function variants in ACADVL are known to be pathogenic (PMID: 9973285, 11590124). This variant is not present in population databases (gnomAD no frequency). This variant has not been reported in the literature in individuals affected with ACADVL-related conditions. Algorithms developed to predict the effect of sequence changes on RNA splicing suggest that this variant may disrupt the consensus splice site. In summary, the currently available evidence indicates that the variant is pathogenic, but additional data are needed to prove that conclusively. Therefore, this variant has been classified as Likely Pathogenic.

Literature cited by the submitters: PubMed 16199547; PubMed 9973285; PubMed 11590124.

NM_000018.4(ACADVL):c.1435-1G>A

Gene: ACADVL (acyl-CoA dehydrogenase very long chain; plus strand). Cytogenetic location: 17p13.1.
Variant type: single nucleotide variant.
Coding change: c.1435-1G>A on transcript NM_000018.4 (MANE Select); the canonical splice acceptor site of the intron before coding-DNA position 1435, G replaced by A.
Molecular consequence: splice acceptor variant.
Genome position (GRCh38, 1-based): chr17:7,224,145, G>A. VCF-style: chr17-7224145-G-A. GRCh37 (hg19) VCF-style: chr17-7127464-G-A.
Other names: c.1504-1G>A (NM_001270447.2); c.1207-1G>A (NM_001270448.2); c.1369-1G>A (NM_001033859.3).
Identifiers: ClinVar variation 4733545 (VCV004733545.1).